The following is an entry in ClinVar:

NM_001148.6(ANK2):c.277G>A (p.Ala93Thr)

Gene: ANK2 (ankyrin 2; plus strand). Cytogenetic location: 4q25.
Variant type: single nucleotide variant.
Coding change: c.277G>A on transcript NM_001148.6 (MANE Select); coding-DNA position 277, G replaced by A.
Protein change: p.Ala93Thr; replaces alanine 93 with threonine.
Molecular consequence: missense variant.
Genome position (GRCh38, 1-based): chr4:113,196,458, G>A. VCF-style: chr4-113196458-G-A. GRCh37 (hg19) VCF-style: chr4-114117614-G-A.
Other names: c.277G>A (NM_001148.4); c.214G>A, p.Ala72Thr (NM_001127493.3, NM_001354239.2, NM_001354243.2 and 33 more transcripts); c.277G>A, p.Ala93Thr (NM_001354225.2, NM_001354228.2, NM_001354232.2 and 9 more transcripts); c.322G>A, p.Ala108Thr (NM_001354230.2, NM_001354231.2, NM_001354237.2 and 5 more transcripts); c.259G>A, p.Ala87Thr (NM_001354261.2, NM_001386147.1, NM_001386160.1); c.265G>A, p.Ala89Thr (NM_001354269.3, NM_001386186.2, NM_001386187.2 and 1 more transcripts); c.328G>A, p.Ala110Thr (NM_001386174.1, NM_001386175.1); short protein forms A89T, A110T, A93T, A108T, A72T, A87T.
Identifiers: ClinVar variation 1500078 (VCV001500078.9), dbSNP rs2153390107, ClinGen allele CA357993559.

ClinVar aggregate classification (germline): Uncertain significance. Review status: criteria provided, multiple submitters, no conflicts (2 of 4 stars). 2 submissions from 2 submitters: Uncertain significance (2). Last evaluated 2024-12-31.

Conditions:
Cardiovascular phenotype. Identifiers: MedGen CN230736.
Long QT syndrome (LQTS). Identifiers: MedGen C0023976, MeSH D008133, MONDO:0002442. Disease mechanism: loss of function. Inheritance: Various modes of inheritance.

Submissions (2):

Ambry Genetics
Classification: Uncertain significance for Cardiovascular phenotype. Last evaluated: 2024-12-31. Review status: criteria provided, single submitter. Criteria: Ambry Variant Classification Scheme 2023. Collection method: clinical testing. Allele origin: germline.
Comment: The p.A93T variant (also known as c.277G>A), located in coding exon 3 of the ANK2 gene, results from a G to A substitution at nucleotide position 277. The alanine at codon 93 is replaced by threonine, an amino acid with similar properties. This amino acid position is conserved. In addition, this alteration is predicted to be tolerated by in silico analysis. Based on the available evidence, the clinical significance of this variant remains unclear.

Labcorp Genetics (formerly Invitae), Labcorp
Classification: Uncertain significance for Long QT syndrome. Last evaluated: 2021-07-09. Review status: criteria provided, single submitter. Criteria: Invitae Variant Classification Sherloc (09022015). Collection method: clinical testing. Allele origin: germline.
Comment: In summary, the available evidence is currently insufficient to determine the role of this variant in disease. Therefore, it has been classified as a Variant of Uncertain Significance. This sequence change replaces alanine with threonine at codon 93 of the ANK2 protein (p.Ala93Thr). The alanine residue is moderately conserved and there is a small physicochemical difference between alanine and threonine. This variant is not present in population databases (ExAC no frequency). This variant has not been reported in the literature in individuals affected with ANK2-related conditions. Algorithms developed to predict the effect of missense changes on protein structure and function are either unavailable or do not agree on the potential impact of this missense change (SIFT: "Tolerated"; PolyPhen-2: "Probably Damaging"; Align-GVGD: "Class C0").